The following is an entry in ClinVar:

NM_001378454.1(ALMS1):c.1941A>C (p.Glu647Asp)

Gene: ALMS1 (ALMS1 centrosome and basal body associated protein; plus strand). Cytogenetic location: 2p13.1.
Variant type: single nucleotide variant.
Coding change: c.1941A>C on transcript NM_001378454.1 (MANE Select); coding-DNA position 1941, A replaced by C.
Protein change: p.Glu647Asp; replaces glutamic acid 647 with aspartic acid.
Molecular consequence: missense variant.
Genome position (GRCh38, 1-based): chr2:73,448,468, A>C. VCF-style: chr2-73448468-A-C. GRCh37 (hg19) VCF-style: chr2-73675595-A-C.
Other names: c.1944A>C, p.Glu648Asp (NM_015120.4); short protein forms E648D, E647D.
Identifiers: ClinVar variation 1398705 (VCV001398705.8), dbSNP rs768031771, ClinGen allele CA347265869.

ClinVar aggregate classification (germline): Uncertain significance. Review status: criteria provided, multiple submitters, no conflicts (2 of 4 stars). 2 submissions from 2 submitters: Uncertain significance (2). Last evaluated 2024-02-17.

Conditions:
Cardiovascular phenotype. Identifiers: MedGen CN230736.
Alstrom syndrome (ALMS). Identifiers: Orphanet 64, MedGen C0268425, MONDO:0008763, OMIM 203800.

Submissions (2):

Labcorp Genetics (formerly Invitae), Labcorp
Classification: Uncertain significance for Alstrom syndrome. Last evaluated: 2024-02-17. Review status: criteria provided, single submitter. Criteria: Invitae Variant Classification Sherloc (09022015). Collection method: clinical testing. Allele origin: germline.
Comment: This sequence change replaces glutamic acid, which is acidic and polar, with aspartic acid, which is acidic and polar, at codon 648 of the ALMS1 protein (p.Glu648Asp). This variant is not present in population databases (gnomAD no frequency). This variant has not been reported in the literature in individuals affected with ALMS1-related conditions. ClinVar contains an entry for this variant (Variation ID: 1398705). Experimental studies and prediction algorithms are not available or were not evaluated, and the functional significance of this variant is currently unknown. In summary, the available evidence is currently insufficient to determine the role of this variant in disease. Therefore, it has been classified as a Variant of Uncertain Significance.

Ambry Genetics
Classification: Uncertain significance for Cardiovascular phenotype. Last evaluated: 2021-10-19. Review status: criteria provided, single submitter. Criteria: Ambry Variant Classification Scheme 2023. Collection method: clinical testing. Allele origin: germline.
Comment: The p.E648D variant (also known as c.1944A>C), located in coding exon 8 of the ALMS1 gene, results from an A to C substitution at nucleotide position 1944. The glutamic acid at codon 648 is replaced by aspartic acid, an amino acid with highly similar properties. This amino acid position is poorly conserved in available vertebrate species. In addition, this alteration is predicted to be tolerated by in silico analysis. Since supporting evidence is limited at this time, the clinical significance of this alteration remains unclear.